The following is an entry in ClinVar:

NM_017947.4(MOCOS):c.*6A>T

Gene: MOCOS (molybdenum cofactor sulfurase; plus strand). Cytogenetic location: 18q12.2.
Variant type: single nucleotide variant.
Coding change: c.*6A>T on transcript NM_017947.4 (MANE Select); 6 bases downstream of the stop codon, A replaced by T.
Molecular consequence: 3 prime UTR variant.
Genome position (GRCh38, 1-based): chr18:36,268,691, A>T. VCF-style: chr18-36268691-A-T. GRCh37 (hg19) VCF-style: chr18-33848654-A-T.
Identifiers: ClinVar variation 4989314 (VCV004989314.1).
Genomic context (GRCh38, chr18:36,268,691, plus strand): 5'-TGTGGAAGGTCATGATTTACCTGCATCTGAGAAACACCAGGATGTTACCTCCTAAAAAAA[A>T]TTTTTAGCATAAAGTTTCTCTTTTACAGTGATCTCTATTATTGTTAAGATCTGCAACTTG-3'

ClinVar aggregate classification (germline): Likely benign (1 of 4 stars; one submission).

Conditions:
MOCOS-related disorder. Also called: MOCOS-related condition.

gnomAD v4.1: 433 of 1,503,344 alleles (0.029%); highest among the groups gnomAD compares: South Asian, 0.26%; no homozygotes.

Submission:

PreventionGenetics, part of Exact Sciences
Classification: Likely benign for MOCOS-related condition. Last evaluated: 2026-09-16. Review status: criteria provided, single submitter. Criteria: ACMG Guidelines, 2015. Collection method: clinical testing. Allele origin: germline.
Comment: This variant is classified as likely benign based on ACMG/AMP sequence variant interpretation guidelines (Richards et al. 2015 PMID: 25741868, with internal and published modifications).